The following is an entry in ClinVar:

ClinVar aggregate classification (germline): Conflicting classifications of pathogenicity. Review status: criteria provided, conflicting classifications (1 of 4 stars). 13 submissions from 10 submitters: Uncertain significance (3); Benign (6); Likely benign (3). 1 of the submissions does not count toward it. Last evaluated 2026-02-01.

Conditions:
Hereditary hyperinsulinism.
Maturity-onset diabetes of the young (MODY). Also called: Maturity onset diabetes mellitus in young. Identifiers: Orphanet 552, MedGen C0342276, MONDO:0018911, HP:0004904.
Diabetes mellitus, transient neonatal, 2 (TNDM2). Identifiers: Orphanet 99886, MedGen C1835887, MONDO:0012480, OMIM 610374. Disease mechanism: loss of function.
Inborn genetic diseases. Identifiers: MedGen C0950123, MeSH D030342.
Transitory neonatal diabetes mellitus. Also called: Transient neonatal diabetes mellitus. Identifiers: MedGen C0342273, MONDO:0020525, HP:0008255.
Permanent neonatal diabetes mellitus (PNDM). Identifiers: Orphanet 99885, MedGen C1833104, MONDO:0100164, MONDO:0011643. Disease mechanism: gain of function.
Hyperinsulinemic hypoglycemia, familial, 1 (HHF1). Also called: Persistent hyperinsulinemic hypoglycemia of infancy; HYPERINSULINISM, FAMILIAL, WITH PANCREATIC NESIDIOBLASTOSIS; HYPOGLYCEMIA, HYPERINSULINEMIC, OF INFANCY; NESIDIOBLASTOSIS OF PANCREAS; Persistent Hyperinsulinemia Hypoglycemia of Infancy. Identifiers: Orphanet 276575, Orphanet 276598, MedGen C2931832, MONDO:0009734, OMIM 256450.

Allele frequency attached by ClinVar (database versions not stated): 1000 Genomes Project 30x 0.00156; 1000 Genomes Project 0.00160; TOPMed 0.00201; ESP Exome Variant Server 0.00270; gnomAD exomes 0.00382 and 0.00454; gnomAD 0.00414 and 0.00434; ExAC 0.00450.
gnomAD v4.1: 6,200 of 1,614,130 alleles (0.38%); highest among the groups gnomAD compares: Non-Finnish European, 0.36%; 35 homozygotes.

Submissions (13):

CeGaT Center for Human Genetics Tuebingen
Classification: Likely benign. Last evaluated: 2026-02-01. Review status: criteria provided, single submitter. Criteria: CeGaT Center For Human Genetics Tuebingen Variant Classification Criteria Version 2. Collection method: clinical testing. Allele origin: germline. Affected: yes. Observed: 8 variant alleles.
Comment: ABCC8: BP4, BS2

Labcorp Genetics (formerly Invitae), Labcorp
Classification: Benign. Last evaluated: 2026-01-31. Review status: criteria provided, single submitter. Criteria: Invitae Variant Classification Sherloc (09022015). Collection method: clinical testing. Allele origin: germline.

ARUP Laboratories, Molecular Genetics and Genomics, ARUP Laboratories
Classification: Benign. Last evaluated: 2023-08-28. Review status: criteria provided, single submitter. Criteria: ARUP Molecular Germline Variant Investigation Process 2024. Collection method: clinical testing. Allele origin: germline.

Ambry Genetics
Classification: Likely benign for Inborn genetic diseases. Last evaluated: 2022-05-24. Review status: criteria provided, single submitter. Criteria: Ambry Variant Classification Scheme 2023. Collection method: clinical testing. Allele origin: germline.

GeneDx
Classification: Benign. Last evaluated: 2020-04-09. Review status: criteria provided, single submitter. Criteria: GeneDx Variant Classification Process June 2021. Collection method: clinical testing. Allele origin: germline. Affected: yes.

Athena Diagnostics
Classification: Benign. Last evaluated: 2018-01-22. Review status: criteria provided, single submitter. Criteria: Athena Diagnostics Criteria. Collection method: clinical testing. Allele origin: germline.

Illumina Laboratory Services, Illumina
Classification: Likely benign for Permanent neonatal diabetes mellitus 1. Last evaluated: 2018-01-13. Review status: criteria provided, single submitter. Criteria: ICSL Variant Classification Criteria 13 December 2019. Collection method: clinical testing. Allele origin: germline.
Comment: This variant was observed in the ICSL laboratory as part of a predisposition screen in an ostensibly healthy population. It had not been previously curated by ICSL or reported in the Human Gene Mutation Database (HGMD: prior to June 1st, 2018), and was therefore a candidate for classification through an automated scoring system. Utilizing variant allele frequency, disease prevalence and penetrance estimates, and inheritance mode, an automated score was calculated to assess if this variant is too frequent to cause the disease. Based on the score and internal cut-off values, a variant classified as likely benign is not then subjected to further curation. The score for this variant resulted in a classification of likely benign for this disease.

Illumina Laboratory Services, Illumina
Classification: Benign for Diabetes mellitus, transient neonatal, 2. Last evaluated: 2018-01-13. Review status: criteria provided, single submitter. Criteria: ICSL Variant Classification Criteria 13 December 2019. Collection method: clinical testing. Allele origin: germline.
Comment: This variant was observed in the ICSL laboratory as part of a predisposition screen in an ostensibly healthy population. It had not been previously curated by ICSL or reported in the Human Gene Mutation Database (HGMD: prior to June 1st, 2018), and was therefore a candidate for classification through an automated scoring system. Utilizing variant allele frequency, disease prevalence and penetrance estimates, and inheritance mode, an automated score was calculated to assess if this variant is too frequent to cause the disease. Based on the score and internal cut-off values, a variant classified as benign is not then subjected to further curation. The score for this variant resulted in a classification of benign for this disease.

Illumina Laboratory Services, Illumina
Classification: Uncertain significance for Hyperinsulinemic hypoglycemia, familial, 1. Last evaluated: 2018-01-13. Review status: criteria provided, single submitter. Criteria: ICSL Variant Classification Criteria 13 December 2019. Collection method: clinical testing. Allele origin: germline.

Clinical Genomics, Uppaluri K&H Personalized Medicine Clinic
Classification: Uncertain significance for Maturity-onset diabetes of the young. Review status: criteria provided, single submitter. Criteria: K & H Uppaluri Personalized Medicine Clinic Variant Classification & Assertion Criteria_Updated V.1. Collection method: research. Allele origin: unknown. Inheritance: Somatic mutation.
Comment: Mutations in ABCC8 gene are associated with both neonatal diabetes mellitus as well as MODY. Patients with this mutation may have a better response to sulfonylureas. However, no sufficient evidence is found to ascertain the role of this particular variant ( rs137873871) in MODY yet.

Clinical Genomics, Uppaluri K&H Personalized Medicine Clinic
Classification: Uncertain significance for Transitory neonatal diabetes mellitus. Review status: criteria provided, single submitter. Criteria: K & H Uppaluri Personalized Medicine Clinic Variant Classification & Assertion Criteria_Updated V.1. Collection method: research. Allele origin: unknown. Inheritance: Somatic mutation.
Comment: Mutations in ABCC8 gene are associated with both neonatal diabetes mellitus as well as MODY. Patients with this mutation may have a better response to sulfonylureas. However, no sufficient evidence is found to ascertain the role of this particular variant ( rs137873871) in neonatal diabetes yet.

PreventionGenetics, part of Exact Sciences
Classification: Benign. Review status: criteria provided, single submitter. Criteria: ACMG Guidelines, 2015. Collection method: clinical testing. Allele origin: germline.

Natera, Inc.
Classification: Benign for Hereditary hyperinsulinism. Last evaluated: 2020-09-16. Review status: no assertion criteria provided. Collection method: clinical testing. Allele origin: germline. Not counted in ClinVar's aggregate classification.

Literature cited by the submitters: PubMed 16885549 (cited by Clinical Genomics, Uppaluri K&H Personalized Medicine Clinic); PubMed 21989597 (cited by Clinical Genomics, Uppaluri K&H Personalized Medicine Clinic); PubMed 27538677 (cited by Clinical Genomics, Uppaluri K&H Personalized Medicine Clinic); PubMed 18981553 (cited by Clinical Genomics, Uppaluri K&H Personalized Medicine Clinic); PubMed 32027066 (cited by Clinical Genomics, Uppaluri K&H Personalized Medicine Clinic); PubMed 16613899 (cited by Clinical Genomics, Uppaluri K&H Personalized Medicine Clinic); PubMed 18025408 (cited by Clinical Genomics, Uppaluri K&H Personalized Medicine Clinic); PubMed 32792356 (cited by Clinical Genomics, Uppaluri K&H Personalized Medicine Clinic).

NM_000352.6(ABCC8):c.354C>T (p.Val118=)

Gene: ABCC8 (ATP binding cassette subfamily C member 8; minus strand). Cytogenetic location: 11p15.1.
Variant type: single nucleotide variant.
Coding change: c.354C>T on transcript NM_000352.6 (MANE Select); coding-DNA position 354, C replaced by T.
Protein change: p.Val118=; no amino-acid change (valine 118 retained).
Molecular consequence: synonymous variant. On other transcripts: non-coding transcript variant (1).
Genome position (GRCh38, 1-based): chr11:17,470,159, G>A on the plus strand (C>T on the coding strand, the complement: ABCC8 is on the minus strand). VCF-style: chr11-17470159-G-A. GRCh37 (hg19) VCF-style: chr11-17491706-G-A.
Other names: c.354C>T, p.Val118= (NM_001287174.3, NM_001351295.2, NM_001351296.2 and 1 more transcripts).
Identifiers: ClinVar variation 255930 (VCV000255930.49), dbSNP rs137873871, ClinGen allele CA5903902.